The following is an entry in ClinVar:

ClinVar aggregate classification (germline): Uncertain significance. Review status: criteria provided, multiple submitters, no conflicts (2 of 4 stars). 2 submissions from 2 submitters: Uncertain significance (2). Last evaluated 2025-10-01.

Allele frequency attached by ClinVar (database versions not stated): TOPMed 0.00001.
gnomAD v4.1: 26 of 1,610,984 alleles (0.0016%); highest among the groups gnomAD compares: East Asian, 0.0022%; no homozygotes.

Submissions (2):

CeGaT Center for Human Genetics Tuebingen
Classification: Uncertain significance. Last evaluated: 2025-10-01. Review status: criteria provided, single submitter. Criteria: CeGaT Center For Human Genetics Tuebingen Variant Classification Criteria Version 2. Collection method: clinical testing. Allele origin: germline. Affected: yes. Observed: 1 variant allele.
Comment: NOTCH3: PM2, BP4

Labcorp Genetics (formerly Invitae), Labcorp
Classification: Uncertain significance. Last evaluated: 2022-09-05. Review status: criteria provided, single submitter. Criteria: Invitae Variant Classification Sherloc (09022015). Collection method: clinical testing. Allele origin: germline.
Comment: Advanced modeling of protein sequence and biophysical properties (such as structural, functional, and spatial information, amino acid conservation, physicochemical variation, residue mobility, and thermodynamic stability) performed at Invitae indicates that this missense variant is not expected to disrupt NOTCH3 protein function. In summary, the available evidence is currently insufficient to determine the role of this variant in disease. Therefore, it has been classified as a Variant of Uncertain Significance. This variant has not been reported in the literature in individuals affected with NOTCH3-related conditions. This variant is present in population databases (no rsID available, gnomAD 0.007%). This sequence change replaces arginine, which is basic and polar, with glutamine, which is neutral and polar, at codon 61 of the NOTCH3 protein (p.Arg61Gln).

NM_000435.3(NOTCH3):c.182G>A (p.Arg61Gln)

Gene: NOTCH3 (notch receptor 3; minus strand). Cytogenetic location: 19p13.12.
Variant type: single nucleotide variant.
Coding change: c.182G>A on transcript NM_000435.3 (MANE Select); coding-DNA position 182, G replaced by A.
Protein change: p.Arg61Gln; replaces arginine 61 with glutamine.
Molecular consequence: missense variant.
Genome position (GRCh38, 1-based): chr19:15,197,515, C>T on the plus strand (G>A on the coding strand, the complement: NOTCH3 is on the minus strand). VCF-style: chr19-15197515-C-T. GRCh37 (hg19) VCF-style: chr19-15308326-C-T.
Other names: short protein forms R61Q.
Identifiers: ClinVar variation 1910296 (VCV001910296.11), dbSNP rs1222763947, ClinGen allele CA404483339.